The following is an entry in ClinVar:

ClinVar aggregate classification (germline): Uncertain significance (1 of 4 stars; one submission).

Conditions:
Hereditary cancer-predisposing syndrome. Also called: Tumor predisposition; Neoplastic Syndromes, Hereditary; Hereditary Cancer Syndrome; Hereditary neoplastic syndrome. Identifiers: Orphanet 140162, MedGen C0027672, MeSH D009386, MONDO:0015356.

Submission:

Ambry Genetics
Classification: Uncertain significance for Hereditary cancer-predisposing syndrome. Last evaluated: 2025-01-27. Review status: criteria provided, single submitter. Criteria: Ambry Variant Classification Scheme 2023. Collection method: clinical testing. Allele origin: germline.
Comment: The p.P1091Q variant (also known as c.3272C>A), located in coding exon 15 of the APC gene, results from a C to A substitution at nucleotide position 3272. The proline at codon 1091 is replaced by glutamine, an amino acid with similar properties. This amino acid position is conserved. In addition, in silico predictors for this gene do not accurately predict pathogenicity. Based on the available evidence, the clinical significance of this variant remains unclear.

NM_000038.6(APC):c.3272C>A (p.Pro1091Gln)

Gene: APC (APC regulator of Wnt signaling pathway; plus strand). Cytogenetic location: 5q22.2.
Variant type: single nucleotide variant.
Coding change: c.3272C>A on transcript NM_000038.6 (MANE Select); coding-DNA position 3272, C replaced by A.
Protein change: p.Pro1091Gln; replaces proline 1091 with glutamine.
Molecular consequence: missense variant. On other transcripts: non-coding transcript variant (2).
Genome position (GRCh38, 1-based): chr5:112,838,866, C>A. VCF-style: chr5-112838866-C-A. GRCh37 (hg19) VCF-style: chr5-112174563-C-A.
Other names: c.2120C>A, p.Pro707Gln (NM_001407471.1, NM_001407472.1); c.3326C>A, p.Pro1109Gln (NM_001354896.2, NM_001407447.1, NM_001407448.1 and 1 more transcripts); c.3302C>A, p.Pro1101Gln (NM_001354897.2); c.3197C>A, p.Pro1066Gln (NM_001354898.2); c.3188C>A, p.Pro1063Gln (NM_001354899.2); c.3149C>A, p.Pro1050Gln (NM_001354900.2); c.3095C>A, p.Pro1032Gln (NM_001354901.2, NM_001407453.1); c.2999C>A, p.Pro1000Gln (NM_001354902.2); and 11 more; short protein forms P1073Q, P1081Q, P1091Q, P1109Q, P1119Q, P965Q, P1066Q, P707Q.
Identifiers: ClinVar variation 3882073 (VCV003882073.1).